The following is an entry in ClinVar:

ClinVar aggregate classification (germline): Uncertain significance. Review status: criteria provided, multiple submitters, no conflicts (2 of 4 stars). 2 submissions from 2 submitters: Uncertain significance (2). Last evaluated 2024-12-23.

Conditions:
Inborn genetic diseases. Identifiers: MedGen C0950123, MeSH D030342.

Allele frequency attached by ClinVar (database versions not stated): gnomAD 0.00001.
gnomAD v4.1: 1 of 1,613,848 alleles (0.000062%); highest among the groups gnomAD compares: Admixed American, 0.0017%; no homozygotes.

Submissions (2):

Ambry Genetics
Classification: Uncertain significance for Inborn genetic diseases. Last evaluated: 2024-12-23. Review status: criteria provided, single submitter. Criteria: Ambry Variant Classification Scheme 2023. Collection method: clinical testing. Allele origin: germline.

Labcorp Genetics (formerly Invitae), Labcorp
Classification: Uncertain significance. Last evaluated: 2022-06-29. Review status: criteria provided, single submitter. Criteria: Invitae Variant Classification Sherloc (09022015). Collection method: clinical testing. Allele origin: germline.
Comment: This variant has not been reported in the literature in individuals affected with ATR-related conditions. This variant is not present in population databases (gnomAD no frequency). This sequence change replaces alanine, which is neutral and non-polar, with glycine, which is neutral and non-polar, at codon 2416 of the ATR protein (p.Ala2416Gly). Algorithms developed to predict the effect of missense changes on protein structure and function (SIFT, PolyPhen-2, Align-GVGD) all suggest that this variant is likely to be tolerated. In summary, the available evidence is currently insufficient to determine the role of this variant in disease. Therefore, it has been classified as a Variant of Uncertain Significance. Algorithms developed to predict the effect of sequence changes on RNA splicing suggest that this variant may create or strengthen a splice site.

NM_001184.4(ATR):c.7247C>G (p.Ala2416Gly)

Gene: ATR (ATR checkpoint kinase; minus strand). Cytogenetic location: 3q23.
Variant type: single nucleotide variant.
Coding change: c.7247C>G on transcript NM_001184.4 (MANE Select); coding-DNA position 7247, C replaced by G.
Protein change: p.Ala2416Gly; replaces alanine 2416 with glycine.
Molecular consequence: missense variant.
Genome position (GRCh38, 1-based): chr3:142,459,329, G>C on the plus strand (C>G on the coding strand, the complement: ATR is on the minus strand). VCF-style: chr3-142459329-G-C. GRCh37 (hg19) VCF-style: chr3-142178171-G-C.
Other names: c.7055C>G, p.Ala2352Gly (NM_001354579.2); c.7247C>G (NM_001184.3); short protein forms A2416G, A2352G.
Identifiers: ClinVar variation 1384225 (VCV001384225.8), dbSNP rs2070974969, ClinGen allele CA354797819.